The following is an entry in ClinVar:

ClinVar aggregate classification (germline): Likely pathogenic (1 of 4 stars; one submission).

Submission:

Labcorp Genetics (formerly Invitae), Labcorp
Classification: Likely pathogenic. Last evaluated: 2025-03-10. Review status: criteria provided, single submitter. Criteria: Invitae Variant Classification Sherloc (09022015). Collection method: clinical testing. Allele origin: germline.
Comment: This sequence change affects an acceptor splice site in intron 14 of the ADAMTS17 gene. It is expected to disrupt RNA splicing. Variants that disrupt the donor or acceptor splice site typically lead to a loss of protein function (PMID: 16199547), and loss-of-function variants in ADAMTS17 are known to be pathogenic (PMID: 19836009, 24940034). This variant is not present in population databases (gnomAD no frequency). This variant has not been reported in the literature in individuals affected with ADAMTS17-related conditions. Algorithms developed to predict the effect of sequence changes on RNA splicing suggest that this variant may disrupt the consensus splice site. In summary, the currently available evidence indicates that the variant is pathogenic, but additional data are needed to prove that conclusively. Therefore, this variant has been classified as Likely Pathogenic.

Literature cited by the submitters: PubMed 16199547; PubMed 19836009; PubMed 24940034.

NM_139057.4(ADAMTS17):c.2017-1G>C

Gene: ADAMTS17 (ADAM metallopeptidase with thrombospondin type 1 motif 17; minus strand). Cytogenetic location: 15q26.3.
Variant type: single nucleotide variant.
Coding change: c.2017-1G>C on transcript NM_139057.4 (MANE Select); the canonical splice acceptor site of the intron before coding-DNA position 2017, G replaced by C.
Molecular consequence: splice acceptor variant.
Genome position (GRCh38, 1-based): chr15:100,096,477, C>G on the plus strand (G>C on the coding strand, the complement: ADAMTS17 is on the minus strand). VCF-style: chr15-100096477-C-G. GRCh37 (hg19) VCF-style: chr15-100636682-C-G.
Identifiers: ClinVar variation 4714757 (VCV004714757.1).